The following is an entry in ClinVar:

ClinVar aggregate classification (germline): Uncertain significance (1 of 4 stars; one submission).

Submission:

CeGaT Center for Human Genetics Tuebingen
Classification: Uncertain significance. Last evaluated: 2024-03-01. Review status: criteria provided, single submitter. Criteria: CeGaT Center For Human Genetics Tuebingen Variant Classification Criteria Version 2. Collection method: clinical testing. Allele origin: germline. Affected: yes. Observed: 1 variant allele.
Comment: DHX37: PM2, BP4

NM_032656.4(DHX37):c.399C>G (p.Asp133Glu)

Gene: DHX37 (DEAH-box helicase 37; minus strand). Cytogenetic location: 12q24.31.
Variant type: single nucleotide variant.
Coding change: c.399C>G on transcript NM_032656.4 (MANE Select); coding-DNA position 399, C replaced by G.
Protein change: p.Asp133Glu; replaces aspartic acid 133 with glutamic acid.
Molecular consequence: missense variant.
Genome position (GRCh38, 1-based): chr12:124,980,829, G>C on the plus strand (C>G on the coding strand, the complement: DHX37 is on the minus strand). VCF-style: chr12-124980829-G-C. GRCh37 (hg19) VCF-style: chr12-125465375-G-C.
Other names: short protein forms D133E.
Identifiers: ClinVar variation 3067308 (VCV003067308.21), dbSNP rs1236036995, ClinGen allele CA387228060.